The following is an entry in ClinVar:

NM_001065.4(TNFRSF1A):c.1099C>T (p.Pro367Ser)

Gene: TNFRSF1A (TNF receptor superfamily member 1A; minus strand). Cytogenetic location: 12p13.31.
Variant type: single nucleotide variant.
Coding change: c.1099C>T on transcript NM_001065.4 (MANE Select); coding-DNA position 1099, C replaced by T.
Protein change: p.Pro367Ser; replaces proline 367 with serine.
Molecular consequence: missense variant. On other transcripts: non-coding transcript variant (1).
Genome position (GRCh38, 1-based): chr12:6,329,581, G>A on the plus strand (C>T on the coding strand, the complement: TNFRSF1A is on the minus strand). VCF-style: chr12-6329581-G-A. GRCh37 (hg19) VCF-style: chr12-6438747-G-A.
Other names: c.775C>T, p.Pro259Ser (NM_001346091.2); c.640C>T, p.Pro214Ser (NM_001346092.2); short protein forms P367S, P214S, P259S.
Identifiers: ClinVar variation 1489418 (VCV001489418.8), dbSNP rs1490936362, ClinGen allele CA383545462.

ClinVar aggregate classification (germline): Uncertain significance (1 of 4 stars; one submission).

Conditions:
TNF receptor-associated periodic fever syndrome (TRAPS) (FPF). Also called: Autosomal Dominant Familial Periodic Fever; FAMILIAL HIBERNIAN FEVER; TNF RECEPTOR-ASSOCIATED PERIODIC SYNDROME; TUMOR NECROSIS FACTOR RECEPTOR-ASSOCIATED PERIODIC SYNDROME; TNF Receptor-Associated Periodic Fever Syndrome; TNF receptor 1-associated periodic fever syndrome. Identifiers: Orphanet 32960, MedGen C1275126, MONDO:0007727, OMIM 142680.

Allele frequency attached by ClinVar (database versions not stated): TOPMed below 0.00001; gnomAD 0.00001.

Submission:

Labcorp Genetics (formerly Invitae), Labcorp
Classification: Uncertain significance for TNF receptor-associated periodic fever syndrome (TRAPS). Last evaluated: 2024-12-15. Review status: criteria provided, single submitter. Criteria: Invitae Variant Classification Sherloc (09022015). Collection method: clinical testing. Allele origin: germline.
Comment: This sequence change replaces proline, which is neutral and non-polar, with serine, which is neutral and polar, at codon 367 of the TNFRSF1A protein (p.Pro367Ser). This variant is not present in population databases (gnomAD no frequency). This variant has not been reported in the literature in individuals affected with TNFRSF1A-related conditions. ClinVar contains an entry for this variant (Variation ID: 1489418). Invitae Evidence Modeling of protein sequence and biophysical properties (such as structural, functional, and spatial information, amino acid conservation, physicochemical variation, residue mobility, and thermodynamic stability) has been performed for this missense variant. However, the output from this modeling did not meet the statistical confidence thresholds required to predict the impact of this variant on TNFRSF1A protein function. In summary, the available evidence is currently insufficient to determine the role of this variant in disease. Therefore, it has been classified as a Variant of Uncertain Significance.